The following is an entry in ClinVar:

NM_001458.5(FLNC):c.114G>T (p.Gln38His)

Gene: FLNC (filamin C; plus strand). Cytogenetic location: 7q32.1.
Variant type: single nucleotide variant.
Coding change: c.114G>T on transcript NM_001458.5 (MANE Select); coding-DNA position 114, G replaced by T.
Protein change: p.Gln38His; replaces glutamine 38 with histidine.
Molecular consequence: missense variant.
Genome position (GRCh38, 1-based): chr7:128,830,751, G>T. VCF-style: chr7-128830751-G-T. GRCh37 (hg19) VCF-style: chr7-128470805-G-T.
Other names: c.114G>T, p.Gln38His (NM_001127487.2); short protein forms Q38H.
Identifiers: ClinVar variation 3756162 (VCV003756162.2).

ClinVar aggregate classification (germline): Uncertain significance (1 of 4 stars; one submission).

Conditions:
Distal myopathy with posterior leg and anterior hand involvement. Also called: WILLIAMS DISTAL MYOPATHY. Identifiers: Orphanet 63273, MedGen C3279722, MONDO:0013550, OMIM 614065.
Hypertrophic cardiomyopathy 26. Also called: Cardiomyopathy, familial hypertrophic, 26. Identifiers: Orphanet 75249, MedGen C4310749, MONDO:0014883, OMIM 617047.
Myofibrillar myopathy 5. Also called: Filaminopathy (type); FILAMINOPATHY, AUTOSOMAL DOMINANT. Identifiers: Orphanet 171445, MedGen C1836050, MONDO:0012289, OMIM 609524.

Submission:

Labcorp Genetics (formerly Invitae), Labcorp
Classification: Uncertain significance for Distal myopathy with posterior leg and anterior hand involvement; Myofibrillar myopathy 5; Hypertrophic cardiomyopathy 26. Last evaluated: 2024-05-02. Review status: criteria provided, single submitter. Criteria: Invitae Variant Classification Sherloc (09022015). Collection method: clinical testing. Allele origin: germline.
Comment: This sequence change replaces glutamine, which is neutral and polar, with histidine, which is basic and polar, at codon 38 of the FLNC protein (p.Gln38His). This variant is not present in population databases (gnomAD no frequency). This variant has not been reported in the literature in individuals affected with FLNC-related conditions. Advanced modeling of protein sequence and biophysical properties (such as structural, functional, and spatial information, amino acid conservation, physicochemical variation, residue mobility, and thermodynamic stability) has been performed at Invitae for this missense variant, however the output from this modeling did not meet the statistical confidence thresholds required to predict the impact of this variant on FLNC protein function. In summary, the available evidence is currently insufficient to determine the role of this variant in disease. Therefore, it has been classified as a Variant of Uncertain Significance.